The following is an entry in ClinVar:

NM_001458.5(FLNC):c.1837C>T (p.Gln613Ter)

Gene: FLNC (filamin C; plus strand). Cytogenetic location: 7q32.1.
Variant type: single nucleotide variant.
Coding change: c.1837C>T on transcript NM_001458.5 (MANE Select); coding-DNA position 1837, C replaced by T.
Protein change: p.Gln613Ter; replaces glutamine 613 with a stop codon.
Molecular consequence: nonsense.
Genome position (GRCh38, 1-based): chr7:128,841,193, C>T. VCF-style: chr7-128841193-C-T. GRCh37 (hg19) VCF-style: chr7-128481247-C-T.
Other names: c.1837C>T, p.Gln613Ter (NM_001127487.2); short protein forms Q613*.
Identifiers: ClinVar variation 2446902 (VCV002446902.2), dbSNP rs781674430, ClinGen allele CA369227178.

ClinVar aggregate classification (germline): Pathogenic (1 of 4 stars; one submission).

Conditions:
Cardiovascular phenotype. Identifiers: MedGen CN230736.

Submission:

Ambry Genetics
Classification: Pathogenic for Cardiovascular phenotype. Last evaluated: 2022-11-02. Review status: criteria provided, single submitter. Criteria: Ambry Variant Classification Scheme 2023. Collection method: clinical testing. Allele origin: germline.
Comment: The p.Q613* variant (also known as c.1837C>T), located in coding exon 12 of the FLNC gene, results from a C to T substitution at nucleotide position 1837. This changes the amino acid from a glutamine to a stop codon within coding exon 12. This variant is considered to be rare based on population cohorts in the Genome Aggregation Database (gnomAD). This alteration is expected to result in loss of function by premature protein truncation or nonsense-mediated mRNA decay. As such, this alteration is interpreted as a disease-causing mutation.